The following is an entry in ClinVar:

ClinVar aggregate classification (germline): Likely pathogenic (1 of 4 stars; one submission).

Conditions:
3-hydroxy-3-methylglutaryl-CoA synthase deficiency (HMGCS2D). Also called: MITOCHONDRIAL HMG-CoA SYNTHASE DEFICIENCY; HMG-CoA synthase-2 deficiency; HMGCS2 DEFICIENCY. Identifiers: Orphanet 35701, MedGen C2751532, MONDO:0011614, OMIM 605911.

Allele frequency attached by ClinVar (database versions not stated): gnomAD exomes below 0.00001.

Submission:

Centre de Génétique Humaine, Institut de Pathologie Et de Génétique
Classification: Likely pathogenic for 3-hydroxy-3-methylglutaryl-CoA synthase deficiency. Last evaluated: 2023-11-09. Review status: criteria provided, single submitter. Criteria: ACMG Guidelines, 2015. Collection method: clinical testing. Allele origin: maternal. Inheritance: Autosomal recessive inheritance. Affected: yes. Observed: 1 compound heterozygote.
Comment: c.164G>A p.(Gly55Asp) is a missense variant found only in one individual in GnomAD v4. It affects a highly conserved amino acid (down to the yeast) located in a functionnal domain of the protein : « Hydroxymethylglutaryl-coenzyme A synthase ». In silico softwares predict the damaging effect of the variant (CADD 25.4, REVEL 0.912). Excellent clinical evolution at last follow-up (22 months). ACMG criteria : PM2, PM3, PP3 as pathogenic moderate, PP4 (based on the 4-OH-6-methyl-2-pyronuria).

Literature cited by the submitters: PubMed 25511235.

NM_005518.4(HMGCS2):c.164G>A (p.Gly55Asp)

Gene: HMGCS2 (3-hydroxy-3-methylglutaryl-CoA synthase 2; minus strand). Cytogenetic location: 1p12.
Variant type: single nucleotide variant.
Coding change: c.164G>A on transcript NM_005518.4 (MANE Select); coding-DNA position 164, G replaced by A.
Protein change: p.Gly55Asp; replaces glycine 55 with aspartic acid.
Molecular consequence: missense variant.
Genome position (GRCh38, 1-based): chr1:119,764,567, C>T on the plus strand (G>A on the coding strand, the complement: HMGCS2 is on the minus strand). VCF-style: chr1-119764567-C-T. GRCh37 (hg19) VCF-style: chr1-120307190-C-T.
Other names: c.164G>A, p.Gly55Asp (NM_001166107.1); short protein forms G55D.
Identifiers: ClinVar variation 2628076 (VCV002628076.2), dbSNP rs2464283434, ClinGen allele CA341867051.